The following is an entry in ClinVar:

ClinVar aggregate classification (germline): Uncertain significance (1 of 4 stars; one submission).

Conditions:
2-aminoadipic 2-oxoadipic aciduria (AAKAD). Also called: ALPHA-AMINOADIPIC AND ALPHA-KETOADIPIC ACIDURIA; Aminoadipic aciduria. Identifiers: Orphanet 79154, MedGen C1859817, MONDO:0008774, OMIM 204750.

Allele frequency attached by ClinVar (database versions not stated): TOPMed 0.00001.

Submission:

Labcorp Genetics (formerly Invitae), Labcorp
Classification: Uncertain significance for 2-aminoadipic 2-oxoadipic aciduria. Last evaluated: 2023-06-17. Review status: criteria provided, single submitter. Criteria: Invitae Variant Classification Sherloc (09022015). Collection method: clinical testing. Allele origin: germline.
Comment: In summary, the available evidence is currently insufficient to determine the role of this variant in disease. Therefore, it has been classified as a Variant of Uncertain Significance. Advanced modeling of protein sequence and biophysical properties (such as structural, functional, and spatial information, amino acid conservation, physicochemical variation, residue mobility, and thermodynamic stability) performed at Invitae indicates that this missense variant is expected to disrupt DHTKD1 protein function. This variant has not been reported in the literature in individuals affected with DHTKD1-related conditions. This variant is not present in population databases (gnomAD no frequency). This sequence change replaces glutamic acid, which is acidic and polar, with glutamine, which is neutral and polar, at codon 714 of the DHTKD1 protein (p.Glu714Gln).

NM_018706.7(DHTKD1):c.2140G>C (p.Glu714Gln)

Gene: DHTKD1 (dehydrogenase E1 and transketolase domain containing 1; plus strand). Cytogenetic location: 10p14.
Variant type: single nucleotide variant.
Coding change: c.2140G>C on transcript NM_018706.7 (MANE Select); coding-DNA position 2140, G replaced by C.
Protein change: p.Glu714Gln; replaces glutamic acid 714 with glutamine.
Molecular consequence: missense variant.
Genome position (GRCh38, 1-based): chr10:12,108,001, G>C. VCF-style: chr10-12108001-G-C. GRCh37 (hg19) VCF-style: chr10-12150000-G-C.
Other names: short protein forms E714Q.
Identifiers: ClinVar variation 2997979 (VCV002997979.3), dbSNP rs1833276318, ClinGen allele CA376012874.